The following is an entry in ClinVar:

ClinVar aggregate classification (germline): Likely benign. Review status: criteria provided, multiple submitters, no conflicts (2 of 4 stars). 4 submissions from 4 submitters: Likely benign (4). Last evaluated 2025-10-19.

Conditions:
Oto-palato-digital syndrome, type II (OPD2). Also called: FACIOPALATOOSSEOUS SYNDROME; OPD II SYNDROME; Otopalatodigital Syndrome, Type II; Otopalatodigital Syndrome Type 2 (FLNA-OPD2). Identifiers: Orphanet 669, Orphanet 90652, MedGen C1844696, MONDO:0010571, OMIM 304120.
Melnick-Needles syndrome (MNS). Also called: MELNICK-NEEDLES OSTEODYSPLASTY; OSTEODYSPLASTY OF MELNICK AND NEEDLES; Melnick-Needles Syndrome (FLNA-MNS). Identifiers: Orphanet 2484, MedGen C0025237, MONDO:0010650, OMIM 309350.
Frontometaphyseal dysplasia (FMD1). Identifiers: Orphanet 1826, MedGen C0265293, MONDO:0015942.
Heterotopia, periventricular, X-linked dominant (PVNH1). Also called: PERIVENTRICULAR NODULAR HETEROTOPIA 1; X-linked periventricular heterotopia; PERIVENTRICULAR NODULAR HETEROTOPIA 4; HETEROTOPIA, PERIVENTRICULAR, 1. Identifiers: Orphanet 2149, Orphanet 82004, MedGen C1848213, MONDO:0010233, OMIM 300049.
Familial thoracic aortic aneurysm and aortic dissection (TAAD). Also called: Thoracic aortic aneurysms and dissections. Identifiers: Orphanet 91387, MedGen C4707243, MONDO:0019625.

Allele frequency attached by ClinVar (database versions not stated): gnomAD exomes 0.00001.
gnomAD v4.1: 6 of 1,209,059 alleles (0.0005%); highest among the groups gnomAD compares: African/African-American, 0.0017%; no homozygotes.

Submissions (4):

Labcorp Genetics (formerly Invitae), Labcorp
Classification: Likely benign for Oto-palato-digital syndrome, type II; Heterotopia, periventricular, X-linked dominant; Frontometaphyseal dysplasia; Melnick-Needles syndrome. Last evaluated: 2025-10-19. Review status: criteria provided, single submitter. Criteria: Invitae Variant Classification Sherloc (09022015). Collection method: clinical testing. Allele origin: germline.

Ambry Genetics
Classification: Likely benign for Familial thoracic aortic aneurysm and aortic dissection. Last evaluated: 2024-07-24. Review status: criteria provided, single submitter. Criteria: Ambry Variant Classification Scheme 2023. Collection method: clinical testing. Allele origin: germline.

GeneDx
Classification: Likely benign. Last evaluated: 2017-07-11. Review status: criteria provided, single submitter. Criteria: GeneDx Variant Classification (06012015). Collection method: clinical testing. Allele origin: germline. Affected: yes.
Comment: This variant is considered likely benign or benign based on one or more of the following criteria: it is a conservative change, it occurs at a poorly conserved position in the protein, it is predicted to be benign by multiple in silico algorithms, and/or has population frequency not consistent with disease.

Claritas Genomics
Classification: Likely benign. Last evaluated: 2012-08-20. Review status: criteria provided, single submitter. Criteria: ACMG Guidelines, 2007. Collection method: clinical testing. Allele origin: germline. Inheritance: X-linked inheritance.

NM_001110556.2(FLNA):c.4926C>T (p.Ala1642=)

Gene: FLNA (filamin A; minus strand). Cytogenetic location: Xq28.
Variant type: single nucleotide variant.
Coding change: c.4926C>T on transcript NM_001110556.2 (MANE Select); coding-DNA position 4926, C replaced by T.
Protein change: p.Ala1642=; no amino-acid change (alanine 1642 retained).
Molecular consequence: synonymous variant.
Genome position (GRCh38, 1-based): chrX:154,357,453, G>A on the plus strand (C>T on the coding strand, the complement: FLNA is on the minus strand). VCF-style: chrX-154357453-G-A. GRCh37 (hg19) VCF-style: chrX-153585821-G-A.
Other names: c.4926C>T, p.Ala1642= (NM_001456.4).
Identifiers: ClinVar variation 190197 (VCV000190197.7), dbSNP rs786205196, ClinGen allele CA199612.